The following is an entry in ClinVar:

NM_005413.4(SIX3):c.806+104G>A

Gene: SIX3 (SIX homeobox 3; plus strand). Cytogenetic location: 2p21.
Variant type: single nucleotide variant.
Coding change: c.806+104G>A on transcript NM_005413.4 (MANE Select); 104 bases into the intron after coding-DNA position 806, G replaced by A.
Molecular consequence: intron variant.
Genome position (GRCh38, 1-based): chr2:44,943,014, G>A. VCF-style: chr2-44943014-G-A. GRCh37 (hg19) VCF-style: chr2-45170153-G-A.
Identifiers: ClinVar variation 674949 (VCV000674949.2), dbSNP rs4953152, ClinGen allele CA11114117.

ClinVar aggregate classification (germline): Benign. Review status: criteria provided, multiple submitters, no conflicts (2 of 4 stars). 2 submissions from 2 submitters: Benign (2). Last evaluated 2018-06-16.

Allele frequency attached by ClinVar (database versions not stated): 1000 Genomes Project 30x 0.38757; gnomAD exomes 0.33175; gnomAD 0.35798 and 0.36058; TOPMed 0.36455; 1000 Genomes Project 0.38299.

Submissions (2):

GeneDx
Classification: Benign. Last evaluated: 2018-06-16. Review status: criteria provided, single submitter. Criteria: GeneDx Variant Classification (06012015). Collection method: clinical testing. Allele origin: germline. Affected: yes.
Comment: This variant is considered likely benign or benign based on one or more of the following criteria: it is a conservative change, it occurs at a poorly conserved position in the protein, it is predicted to be benign by multiple in silico algorithms, and/or has population frequency not consistent with disease.

Breakthrough Genomics
Classification: Benign. Review status: criteria provided, single submitter. Criteria: ACMG Guidelines, 2015. Collection method: not provided. Allele origin: germline. Inheritance: Autosomal dominant inheritance. Affected: yes.